The following is an entry in ClinVar:

NM_002570.5(PCSK6):c.483C>T (p.Asn161=)

Gene: PCSK6 (proprotein convertase subtilisin/kexin type 6; minus strand). Cytogenetic location: 15q26.3.
Variant type: single nucleotide variant.
Coding change: c.483C>T on transcript NM_002570.5 (MANE Select); coding-DNA position 483, C replaced by T.
Protein change: p.Asn161=; no amino-acid change (asparagine 161 retained).
Molecular consequence: synonymous variant.
Genome position (GRCh38, 1-based): chr15:101,432,020, G>A on the plus strand (C>T on the coding strand, the complement: PCSK6 is on the minus strand). VCF-style: chr15-101432020-G-A. GRCh37 (hg19) VCF-style: chr15-101972225-G-A.
Other names: c.483C>T, p.Asn161= (NM_001291309.2, NM_138319.4, NM_138322.4 and 3 more transcripts).
Identifiers: ClinVar variation 2645756 (VCV002645756.25), dbSNP rs117473739, ClinGen allele CA7764355.

ClinVar aggregate classification (germline): Conflicting classifications of pathogenicity. Review status: criteria provided, conflicting classifications (1 of 4 stars). 2 submissions from 2 submitters: Uncertain significance (1); Likely benign (1). Last evaluated 2024-11-15.

Allele frequency attached by ClinVar (database versions not stated): gnomAD exomes 0.00027; gnomAD 0.00035; TOPMed 0.00044; ExAC 0.00078; 1000 Genomes Project 30x 0.00156; 1000 Genomes Project 0.00160.
gnomAD v4.1: 459 of 1,613,478 alleles (0.028%); highest among the groups gnomAD compares: East Asian, 0.94%; 2 homozygotes.

Submissions (2):

Blueprint Genetics
Classification: Uncertain significance. Last evaluated: 2024-11-15. Review status: criteria provided, single submitter. Criteria: ACMG Guidelines, 2015. Collection method: clinical testing. Allele origin: germline.

CeGaT Center for Human Genetics Tuebingen
Classification: Likely benign. Last evaluated: 2022-11-01. Review status: criteria provided, single submitter. Criteria: CeGaT Center For Human Genetics Tuebingen Variant Classification Criteria Version 2. Collection method: clinical testing. Allele origin: germline. Affected: yes. Observed: 1 variant allele.
Comment: PCSK6: BP4, BP7